The following is an entry in ClinVar:

ClinVar aggregate classification (germline): Uncertain significance. Review status: criteria provided, multiple submitters, no conflicts (2 of 4 stars). 3 submissions from 3 submitters: Uncertain significance (3). Last evaluated 2024-08-06.

Conditions:
Cardiovascular phenotype. Identifiers: MedGen CN230736.
Long QT syndrome (LQTS). Identifiers: MedGen C0023976, MeSH D008133, MONDO:0002442. Disease mechanism: loss of function. Inheritance: Various modes of inheritance.

gnomAD v4.1: 8 of 1,613,746 alleles (0.0005%); highest among the groups gnomAD compares: Admixed American, 0.013%; no homozygotes.

Submissions (3):

Labcorp Genetics (formerly Invitae), Labcorp
Classification: Uncertain significance for Long QT syndrome. Last evaluated: 2024-08-06. Review status: criteria provided, single submitter. Criteria: Invitae Variant Classification Sherloc (09022015). Collection method: clinical testing. Allele origin: germline.
Comment: This sequence change replaces valine, which is neutral and non-polar, with isoleucine, which is neutral and non-polar, at codon 1486 of the ANK2 protein (p.Val1486Ile). This variant is present in population databases (rs149678604, gnomAD 0.02%). This variant has not been reported in the literature in individuals affected with ANK2-related conditions. ClinVar contains an entry for this variant (Variation ID: 1712005). An algorithm developed to predict the effect of missense changes on protein structure and function outputs the following: PolyPhen-2: "Benign". The isoleucine amino acid residue is found in multiple mammalian species, which suggests that this missense change does not adversely affect protein function. In summary, the available evidence is currently insufficient to determine the role of this variant in disease. Therefore, it has been classified as a Variant of Uncertain Significance.

GeneDx
Classification: Uncertain significance. Last evaluated: 2022-10-24. Review status: criteria provided, single submitter. Criteria: GeneDx Variant Classification Process June 2021. Collection method: clinical testing. Allele origin: germline. Affected: yes.
Comment: In silico analysis supports that this missense variant does not alter protein structure/function; Located in exon 38, which is reported as being expressed in a brain-specific transcript (Otto et al, 1991; Cunha et al, 2008; Wu et al, 2015); Has not been previously published as pathogenic or benign to our knowledge

Ambry Genetics
Classification: Uncertain significance for Cardiovascular phenotype. Last evaluated: 2022-04-04. Review status: criteria provided, single submitter. Criteria: Ambry Variant Classification Scheme 2023. Collection method: clinical testing. Allele origin: germline.
Comment: The p.V1486I variant (also known as c.4456G>A), located in coding exon 38 of the ANK2 gene, results from a G to A substitution at nucleotide position 4456. The valine at codon 1486 is replaced by isoleucine, an amino acid with highly similar properties. This amino acid position is conserved. In addition, this alteration is predicted to be tolerated by in silico analysis. Since supporting evidence is limited at this time, the clinical significance of this alteration remains unclear.

NM_001148.6(ANK2):c.4456G>A (p.Val1486Ile)

Gene: ANK2 (ankyrin 2; plus strand). Cytogenetic location: 4q26.
Variant type: single nucleotide variant.
Coding change: c.4456G>A on transcript NM_001148.6 (MANE Select); coding-DNA position 4456, G replaced by A.
Protein change: p.Val1486Ile; replaces valine 1486 with isoleucine.
Molecular consequence: missense variant. On other transcripts: intron variant (68).
Genome position (GRCh38, 1-based): chr4:113,353,074, G>A. VCF-style: chr4-113353074-G-A. GRCh37 (hg19) VCF-style: chr4-114274230-G-A.
Other names: c.4222G>A, p.Val1408Ile (NM_001386142.1); c.856G>A, p.Val286Ile (NM_001386166.1); c.4597G>A, p.Val1533Ile (NM_001386174.1); c.4573G>A, p.Val1525Ile (NM_001386175.1); c.4411+2825G>A (NM_001386186.2, NM_001386148.2); c.4213+2825G>A (NM_001354269.3); c.4291+2825G>A (NM_001386187.2); c.4252+2825G>A (NM_001386147.1); and 35 more; short protein forms V1408I, V1486I, V1525I, V1533I, V286I.
Identifiers: ClinVar variation 1712005 (VCV001712005.6), dbSNP rs149678604, ClinGen allele CA3051108.